The following is an entry in ClinVar:

NM_002528.7(NTHL1):c.31C>G (p.Arg11Gly)

Gene: NTHL1 (nth like DNA glycosylase 1; minus strand). Cytogenetic location: 16p13.3.
Variant type: single nucleotide variant.
Coding change: c.31C>G on transcript NM_002528.7 (MANE Select); coding-DNA position 31, C replaced by G.
Protein change: p.Arg11Gly; replaces arginine 11 with glycine.
Molecular consequence: missense variant. On other transcripts: 5 prime UTR variant (1).
Genome position (GRCh38, 1-based): chr16:2,047,793, G>C on the plus strand (C>G on the coding strand, the complement: NTHL1 is on the minus strand). VCF-style: chr16-2047793-G-C. GRCh37 (hg19) VCF-style: chr16-2097794-G-C.
Other names: c.31C>G, p.Arg11Gly (LRG_1366t1, NM_001318193.2); c.-148C>G (NM_001318194.2); short protein forms R11G.
Identifiers: ClinVar variation 661659 (VCV000661659.11), dbSNP rs549760347, ClinGen allele CA394298565.

ClinVar aggregate classification (germline): Uncertain significance. Review status: criteria provided, multiple submitters, no conflicts (2 of 4 stars). 2 submissions from 2 submitters: Uncertain significance (2). Last evaluated 2025-06-24.

Conditions:
Hereditary cancer-predisposing syndrome. Also called: Neoplastic Syndromes, Hereditary; Tumor predisposition; Hereditary neoplastic syndrome; Hereditary Cancer Syndrome. Identifiers: Orphanet 140162, MedGen C0027672, MeSH D009386, MONDO:0015356.

gnomAD v4.1: 2 of 1,591,358 alleles (0.00013%); highest among the groups gnomAD compares: African/African-American, 0.0027%; no homozygotes.

Submissions (2):

Labcorp Genetics (formerly Invitae), Labcorp
Classification: Uncertain significance. Last evaluated: 2025-06-24. Review status: criteria provided, single submitter. Criteria: Invitae Variant Classification Sherloc (09022015). Collection method: clinical testing. Allele origin: germline.
Comment: This sequence change replaces arginine, which is basic and polar, with glycine, which is neutral and non-polar, at codon 19 of the NTHL1 protein (p.Arg19Gly). This variant is not present in population databases (gnomAD no frequency). This variant has not been reported in the literature in individuals affected with NTHL1-related conditions. ClinVar contains an entry for this variant (Variation ID: 661659). An algorithm developed to predict the effect of missense changes on protein structure and function (PolyPhen-2) suggests that this variant is likely to be disruptive. In summary, the available evidence is currently insufficient to determine the role of this variant in disease. Therefore, it has been classified as a Variant of Uncertain Significance.

Ambry Genetics
Classification: Uncertain significance for Hereditary cancer-predisposing syndrome. Last evaluated: 2024-09-21. Review status: criteria provided, single submitter. Criteria: Ambry Variant Classification Scheme 2023. Collection method: clinical testing. Allele origin: germline.
Comment: The p.R19G variant (also known as c.55C>G), located in coding exon 1 of the NTHL1 gene, results from a C to G substitution at nucleotide position 55. The arginine at codon 19 is replaced by glycine, an amino acid with dissimilar properties. This amino acid position is well conserved in available vertebrate species. In addition, this alteration is predicted to be tolerated by in silico analysis. Since supporting evidence is limited at this time, the clinical significance of this alteration remains unclear.